The following is an entry in ClinVar:

NM_001378454.1(ALMS1):c.8910A>C (p.Gln2970His)

Gene: ALMS1 (ALMS1 centrosome and basal body associated protein; plus strand). Cytogenetic location: 2p13.1.
Variant type: single nucleotide variant.
Coding change: c.8910A>C on transcript NM_001378454.1 (MANE Select); coding-DNA position 8910, A replaced by C.
Protein change: p.Gln2970His; replaces glutamine 2970 with histidine.
Molecular consequence: missense variant.
Genome position (GRCh38, 1-based): chr2:73,490,869, A>C. VCF-style: chr2-73490869-A-C. GRCh37 (hg19) VCF-style: chr2-73717996-A-C.
Other names: c.8913A>C, p.Gln2971His (NM_015120.4); short protein forms Q2971H, Q2970H.
Identifiers: ClinVar variation 1393974 (VCV001393974.5), dbSNP rs2103893881, ClinGen allele CA347271418.
Genomic context (GRCh38, chr2:73,490,869, plus strand): 5'-TCAAGGTCAGGATTCTATAGCTTCAGACCTTCCGTCTCCCATTTCTCTTGAACAATGCCA[A>C]AGCAAAGCGCCAGGTGTAGATGACCAAATGAATAAACACCATTTTCCCCTTCCTCAAGGT-3'
Protein context (NP_001365383.1, residues 2960-2980): LPSPISLEQC[Gln2970His]SKAPGVDDQM

ClinVar aggregate classification (germline): Uncertain significance. Review status: criteria provided, multiple submitters, no conflicts (2 of 4 stars). 2 submissions from 2 submitters: Uncertain significance (2). Last evaluated 2024-10-19.

Conditions:
Cardiovascular phenotype. Identifiers: MedGen CN230736.
Alstrom syndrome (ALMS). Identifiers: Orphanet 64, MedGen C0268425, MONDO:0008763, OMIM 203800.

gnomAD v4.1: 3 of 1,613,984 alleles (0.00019%); highest among the groups gnomAD compares: Non-Finnish European, 0.00025%; no homozygotes.

Submissions (2):

Ambry Genetics
Classification: Uncertain significance for Cardiovascular phenotype. Last evaluated: 2024-10-19. Review status: criteria provided, single submitter. Criteria: Ambry Variant Classification Scheme 2023. Collection method: clinical testing. Allele origin: germline.
Comment: The p.Q2971H variant (also known as c.8913A>C), located in coding exon 10 of the ALMS1 gene, results from an A to C substitution at nucleotide position 8913. The glutamine at codon 2971 is replaced by histidine, an amino acid with highly similar properties. This amino acid position is well conserved in available vertebrate species. In addition, this alteration is predicted to be tolerated by in silico analysis. Based on the available evidence, the clinical significance of this variant remains unclear.

Labcorp Genetics (formerly Invitae), Labcorp
Classification: Uncertain significance for Alstrom syndrome. Last evaluated: 2023-12-25. Review status: criteria provided, single submitter. Criteria: Invitae Variant Classification Sherloc (09022015). Collection method: clinical testing. Allele origin: germline.
Comment: This sequence change replaces glutamine, which is neutral and polar, with histidine, which is basic and polar, at codon 2971 of the ALMS1 protein (p.Gln2971His). This variant is not present in population databases (gnomAD no frequency). This variant has not been reported in the literature in individuals affected with ALMS1-related conditions. ClinVar contains an entry for this variant (Variation ID: 1393974). Experimental studies and prediction algorithms are not available or were not evaluated, and the functional significance of this variant is currently unknown. In summary, the available evidence is currently insufficient to determine the role of this variant in disease. Therefore, it has been classified as a Variant of Uncertain Significance.